The following continues an entry in ClinVar:

NM_000051.4(ATM):c.2T>C (p.Met1Thr)

Gene: ATM. ClinVar aggregate classification (germline): Pathogenic. Pathogenic (1).

Submissions 9 to 14 of 14:

GeneDx
Classification: Pathogenic. Last evaluated: 2022-12-12. Review status: criteria provided, single submitter. Criteria: GeneDx Variant Classification Process June 2021. Collection method: clinical testing. Allele origin: germline. Affected: yes. Not counted in ClinVar's aggregate classification.
Comment: Initiation codon variant in a gene for which loss-of-function is a known mechanism of disease; Not observed at significant frequency in large population cohorts (gnomAD); Observed in the heterozygous state in individuals with breast, prostate, and other cancers (Crawford et al., 2017; Decker et al., 2017; Gardner et al., 2018; Waszak et al., 2018; Zafeiriou et al., 2019); Published functional studies demonstrate the possible use of a downstream initiation codon, resulting in trace levels of a truncated protein with no kinase activity, while other studies have shown completely absent protein production (Stankovic et al., 1998; Exley et al., 2011; Reiman et al., 2011; Byrd et al., 2012; Carney et al., 2012); This variant is associated with the following publications: (PMID: 26898890, 28281021, 22649200, 18174244, 28779002, 8845835, 21681852, 22146522, 21593342, 21792198, 9463314, 12552559, 29753700, 30340782, 29308099, 30549301, 30322717, 29922827, 26896183, 21459046)

Athena Diagnostics
Classification: Pathogenic. Last evaluated: 2021-11-19. Review status: criteria provided, single submitter. Criteria: Athena Diagnostics Criteria. Collection method: clinical testing. Allele origin: unknown. Not counted in ClinVar's aggregate classification.
Comment: The frequency of this variant in the general population is consistent with pathogenicity. This variant is expected to interfere with initiation of protein synthesis. In multiple individuals affected with ataxia-telangiectasia (A-T), this variant has been seen with another recessive pathogenic variant in the same gene. At least one other variant at this codon is considered to be pathogenic or likely pathogenic, suggesting this variant may also cause disease. Assessment of experimental evidence suggests this variant results in abnormal protein function. Studies demonstrate either low levels of ATM protein (PMID:22146522, 21459046, 22649200) or no ATM protein (PMID:9463314) with no kinase activity.

Revvity Omics, Revvity
Classification: Pathogenic for Ataxia-telangiectasia syndrome. Last evaluated: 2019-04-26. Review status: criteria provided, single submitter. Criteria: ACMG Guidelines, 2015. Collection method: clinical testing. Allele origin: germline. Not counted in ClinVar's aggregate classification.

Women's Health and Genetics/Laboratory Corporation of America, LabCorp
Classification: Pathogenic for Ataxia-telangiectasia syndrome. Last evaluated: 2016-01-25. Review status: criteria provided, single submitter. Criteria: LabCorp Variant Classification Summary - May 2015. Collection method: clinical testing. Allele origin: germline. Not counted in ClinVar's aggregate classification.

GeneReviews
Classification: Pathogenic for Ataxia-telangiectasia syndrome. Last evaluated: 2016-10-27. Review status: no assertion criteria provided. Collection method: literature only. Allele origin: germline. Affected: yes. Not counted in ClinVar's aggregate classification.

Counsyl
Classification: Likely pathogenic for Ataxia-telangiectasia syndrome. Last evaluated: 2015-01-29. Review status: no assertion criteria provided. Collection method: literature only. Allele origin: unknown. Inheritance: Autosomal recessive inheritance. Not counted in ClinVar's aggregate classification.

Literature cited by the submitters: PubMed 8845835 (cited by 7 submitters); PubMed 9463314 (cited by 8 submitters); PubMed 12552559 (cited by 8 submitters); PubMed 21792198 (cited by 6 submitters); PubMed 22649200 (cited by 7 submitters); PubMed 21593342 (cited by 5 submitters); PubMed 22146522 (cited by 7 submitters); PubMed 30549301 (cited by 5 submitters); PubMed 15928302 (cited by 3 submitters); PubMed 1632451 (cited by Ambry Genetics); PubMed 28281021 (cited by 4 submitters); PubMed 28779002 (cited by 4 submitters); PubMed 29753700 (cited by 3 submitters); PubMed 30322717 (cited by Ambry Genetics and Athena Diagnostics); PubMed 30340782 (cited by 3 submitters); PubMed 37438524 (cited by Ambry Genetics); PubMed 29308099 (cited by Color Diagnostics, LLC DBA Color Health); PubMed 21665257 (cited by Myriad Genetics, Inc.); PubMed 21459046 (cited by Athena Diagnostics and Women's Health and Genetics/Laboratory Corporation of America, LabCorp); PubMed 18174244 (cited by Counsyl).